The following is an entry in ClinVar:

NM_001035.3(RYR2):c.11306G>T (p.Gly3769Val)

Gene: RYR2 (ryanodine receptor 2; plus strand). Cytogenetic location: 1q43.
Variant type: single nucleotide variant.
Coding change: c.11306G>T on transcript NM_001035.3 (MANE Select); coding-DNA position 11306, G replaced by T.
Protein change: p.Gly3769Val; replaces glycine 3769 with valine.
Molecular consequence: missense variant.
Genome position (GRCh38, 1-based): chr1:237,757,757, G>T. VCF-style: chr1-237757757-G-T. GRCh37 (hg19) VCF-style: chr1-237921057-G-T.
Other names: c.11306G>T, p.Gly3769Val (LRG_402t1); short protein forms G3769V.
Identifiers: ClinVar variation 626626 (VCV000626626.4), dbSNP rs1558353446, ClinGen allele CA345427661.
Genomic context (GRCh38, chr1:237,757,757, plus strand): 5'-GTGAAACTGGACCAATGGTAGCAGCTACTCTGAAACTTGGAATTGCTATTTTAAATGGTG[G>T]GAACTCCACAGTACAGCAGGTAACAGCTTCCAGTCATTCATATAATGTACTTTTCAGACA-3'
Protein context (NP_001026.2, residues 3759-3779): LKLGIAILNG[Gly3769Val]NSTVQQKMLD

ClinVar aggregate classification (germline): Uncertain significance. Review status: criteria provided, multiple submitters, no conflicts (2 of 4 stars). 2 submissions from 2 submitters: Uncertain significance (2). Last evaluated 2016-07-11.

Conditions:
Catecholaminergic polymorphic ventricular tachycardia 1. Also called: VENTRICULAR TACHYCARDIA, STRESS-INDUCED POLYMORPHIC 1; VENTRICULAR TACHYCARDIA, CATECHOLAMINERGIC POLYMORPHIC, 1, WITH OR WITHOUT ATRIAL DYSFUNCTION AND/OR DILATED CARDIOMYOPATHY; RYR2-Related Catecholaminergic Polymorphic Ventricular Tachycardia. Identifiers: Orphanet 3286, MedGen C1631597, MONDO:0011484, OMIM 604772.
Ventricular arrhythmias due to cardiac ryanodine receptor calcium release deficiency syndrome. Also called: Autosomal dominant cardiac arrhythmia (Kuhn). Identifiers: MedGen C5542154, MONDO:0020745, OMIM 115000.
Cardiomyopathy (CMYO). Also called: Cardiomyopathies. Identifiers: Orphanet 167848, MedGen C0878544, MONDO:0004994, HP:0001638. Inheritance: Various modes of inheritance.

Submissions (2):

CHEO Genetics Diagnostic Laboratory, Children's Hospital of Eastern Ontario
Classification: Uncertain significance for Cardiomyopathy. Last evaluated: 2016-07-11. Review status: criteria provided, single submitter. Criteria: ACMG Guidelines, 2015. Collection method: clinical testing. Allele origin: germline. Study: Canadian Open Genetics Repository.

Juno Genomics, Hangzhou Juno Genomics, Inc
Classification: Uncertain significance for Ventricular arrhythmias due to cardiac ryanodine receptor calcium release deficiency syndrome; Catecholaminergic polymorphic ventricular tachycardia 1. Review status: criteria provided, single submitter. Criteria: ACMG Guidelines, 2015. Collection method: clinical testing. Allele origin: germline.
Comment: Missense variant in a gene that has a low rate of benign missense variation.;Multiple lines of computational evidence support a deleterious effect on the gene or gene product.;Absent from controls (or at extremely low frequency if recessive) in Genome Aggregation Database.